The following is an entry in ClinVar:

NM_032380.5(GFM2):c.1320+199G>A

Gene: GFM2 (GTP dependent ribosome recycling factor mitochondrial 2; minus strand). Cytogenetic location: 5q13.3.
Variant type: single nucleotide variant.
Coding change: c.1320+199G>A on transcript NM_032380.5 (MANE Select); 199 bases into the intron after coding-DNA position 1320, G replaced by A.
Molecular consequence: intron variant.
Genome position (GRCh38, 1-based): chr5:74,738,119, C>T on the plus strand (G>A on the coding strand, the complement: GFM2 is on the minus strand). VCF-style: chr5-74738119-C-T. GRCh37 (hg19) VCF-style: chr5-74033944-C-T.
Other names: c.1179+199G>A (NM_170691.3); c.1416+199G>A (NM_001281302.2); c.1320+199G>A (NM_170681.3).
Identifiers: ClinVar variation 671623 (VCV000671623.1), dbSNP rs6453077, ClinGen allele CA12100559.

ClinVar aggregate classification (germline): Benign (1 of 4 stars; one submission).

Allele frequency attached by ClinVar (database versions not stated): gnomAD 0.35764 and 0.36527; 1000 Genomes Project 0.38119; TOPMed 0.38875; 1000 Genomes Project 30x 0.39397.
gnomAD v4.1: 54,119 of 151,922 alleles (36%); highest among the groups gnomAD compares: African/African-American, 67%; 12,803 homozygotes.

Submission:

GeneDx
Classification: Benign. Last evaluated: 2018-06-14. Review status: criteria provided, single submitter. Criteria: GeneDx Variant Classification (06012015). Collection method: clinical testing. Allele origin: germline. Affected: yes.
Comment: This variant is considered likely benign or benign based on one or more of the following criteria: it is a conservative change, it occurs at a poorly conserved position in the protein, it is predicted to be benign by multiple in silico algorithms, and/or has population frequency not consistent with disease.